The following is an entry in ClinVar:

NM_000548.5(TSC2):c.5357C>T (p.Pro1786Leu)

Gene: TSC2 (TSC complex subunit 2; plus strand). Cytogenetic location: 16p13.3.
Variant type: single nucleotide variant.
Coding change: c.5357C>T on transcript NM_000548.5 (MANE Select); coding-DNA position 5357, C replaced by T.
Protein change: p.Pro1786Leu; replaces proline 1786 with leucine.
Molecular consequence: missense variant.
Genome position (GRCh38, 1-based): chr16:2,088,543, C>T. VCF-style: chr16-2088543-C-T. GRCh37 (hg19) VCF-style: chr16-2138544-C-T.
Other names: c.5156C>T, p.Pro1719Leu (NM_001077183.3); c.5288C>T, p.Pro1763Leu (NM_001114382.3); c.5048C>T, p.Pro1683Leu (NM_001318827.2); c.5012C>T, p.Pro1671Leu (NM_001318829.2); c.4625C>T, p.Pro1542Leu (NM_001318831.2); c.5189C>T, p.Pro1730Leu (NM_001318832.2); c.5159C>T, p.Pro1720Leu (NM_001363528.2); c.5225C>T, p.Pro1742Leu (NM_001370404.1); and 2 more; short protein forms P1542L, P1671L, P1683L, P1719L, P1720L, P1730L, P1739L, P1742L.
Identifiers: ClinVar variation 1010291 (VCV001010291.12), dbSNP rs770117004, ClinGen allele CA394315777.

ClinVar aggregate classification (germline): Conflicting classifications of pathogenicity. Review status: criteria provided, conflicting classifications (1 of 4 stars). 4 submissions from 4 submitters: Uncertain significance (3); Benign (1). Last evaluated 2025-11-19.

Conditions:
Isolated focal cortical dysplasia type II (FCORD2). Also called: Focal cortical dysplasia type II; CORTICAL DYSPLASIA OF TAYLOR. Identifiers: Orphanet 268994, MedGen C1846385, MONDO:0011818, OMIM 607341, HP:0032051.
Hereditary cancer-predisposing syndrome. Also called: Tumor predisposition; Hereditary Cancer Syndrome; Neoplastic Syndromes, Hereditary; Hereditary neoplastic syndrome. Identifiers: Orphanet 140162, MedGen C0027672, MeSH D009386, MONDO:0015356.
Tuberous sclerosis 2 (TSC2). Identifiers: Orphanet 805, MedGen C1860707, MONDO:0013199, OMIM 613254.

gnomAD v4.1: 6 of 1,612,182 alleles (0.00037%); highest among the groups gnomAD compares: East Asian, 0.0022%; no homozygotes.

Submissions (4):

Labcorp Genetics (formerly Invitae), Labcorp
Classification: Benign for Tuberous sclerosis 2. Last evaluated: 2025-11-19. Review status: criteria provided, single submitter. Criteria: Invitae Variant Classification Sherloc (09022015). Collection method: clinical testing. Allele origin: germline.

Ambry Genetics
Classification: Uncertain significance for Hereditary cancer-predisposing syndrome. Last evaluated: 2024-01-28. Review status: criteria provided, single submitter. Criteria: Ambry Variant Classification Scheme 2023. Collection method: clinical testing. Allele origin: germline.
Comment: The p.P1786L variant (also known as c.5357C>T), located in coding exon 41 of the TSC2 gene, results from a C to T substitution at nucleotide position 5357. The proline at codon 1786 is replaced by leucine, an amino acid with similar properties. This amino acid position is conserved. In addition, the in silico prediction for this alteration is inconclusive. Based on the available evidence, the clinical significance of this alteration remains unclear.

Baylor Genetics
Classification: Uncertain significance for Isolated focal cortical dysplasia type II. Last evaluated: 2023-12-10. Review status: criteria provided, single submitter. Criteria: ACMG Guidelines, 2015. Collection method: clinical testing. Allele origin: unknown.

Sema4
Classification: Uncertain significance for Hereditary cancer-predisposing syndrome. Last evaluated: 2022-03-09. Review status: criteria provided, single submitter. Criteria: Sema4 Curation Guidelines. Collection method: curation. Allele origin: germline.
Comment: The TSC2 c.5357C>T (p.P1786L) variant has not been reported in the literature to our knowledge. This variant was observed in 1/18364 chromosomes in the East Asian population according to the Genome Aggregation Database (PMID: 32461654). The variant has been reported in ClinVar (Variation ID: 1010291). Functional studies have not been performed, and in silico predictions of the variant's effect on protein function are inconclusive. The evidence is insufficient to meet ACMG/AMP criteria for classifying the variant as benign or pathogenic. Thus, the clinical significance of this variant is currently uncertain.